The following is an entry in ClinVar:

ClinVar aggregate classification (germline): Uncertain significance (1 of 4 stars; one submission).

Conditions:
Hereditary cancer-predisposing syndrome. Also called: Tumor predisposition; Hereditary Cancer Syndrome; Hereditary neoplastic syndrome; Neoplastic Syndromes, Hereditary. Identifiers: Orphanet 140162, MedGen C0027672, MeSH D009386, MONDO:0015356.

Allele frequency attached by ClinVar (database versions not stated): gnomAD 0.00001.
gnomAD v4.1: 1 of 1,605,278 alleles (0.000062%); highest among the groups gnomAD compares: Non-Finnish European, 0.000085%; no homozygotes.

Submission:

Ambry Genetics
Classification: Uncertain significance for Hereditary cancer-predisposing syndrome. Last evaluated: 2024-03-06. Review status: criteria provided, single submitter. Criteria: Ambry Variant Classification Scheme 2023. Collection method: clinical testing. Allele origin: germline.
Comment: The p.P37L variant (also known as c.110C>T), located in coding exon 1 of the CDKN2A (p14ARF) gene, results from a C to T substitution at nucleotide position 110. The proline at codon 37 is replaced by leucine, an amino acid with similar properties. This amino acid position is not well conserved in available vertebrate species. Based on the available evidence, the clinical significance of this alteration remains unclear.

NM_058195.4(CDKN2A):c.110C>T (p.Pro37Leu)

Gene: CDKN2A (cyclin dependent kinase inhibitor 2A; minus strand). Cytogenetic location: 9p21.3.
Variant type: single nucleotide variant.
Coding change: c.110C>T on transcript NM_058195.4 (MANE Plus Clinical); coding-DNA position 110, C replaced by T.
Protein change: p.Pro37Leu; replaces proline 37 with leucine.
Molecular consequence: missense variant. On other transcripts: intron variant (1).
Genome position (GRCh38, 1-based): chr9:21,994,222, G>A on the plus strand (C>T on the coding strand, the complement: CDKN2A is on the minus strand). VCF-style: chr9-21994222-G-A. GRCh37 (hg19) VCF-style: chr9-21994221-G-A.
Other names: c.-4+599C>T (NM_001363763.2); short protein forms P37L.
Identifiers: ClinVar variation 3228931 (VCV003228931.1), dbSNP rs1361441265, ClinGen allele CA373086923.